The following is an entry in ClinVar:

NM_130839.5(UBE3A):c.592G>A (p.Ala198Thr)

Genes: SNHG14 (small nucleolar RNA host gene 14; plus strand), UBE3A (ubiquitin protein ligase E3A; minus strand). Cytogenetic location: 15q11.2.
Variant type: single nucleotide variant.
Coding change: c.592G>A on transcript NM_130839.5 (MANE Select); coding-DNA position 592, G replaced by A.
Protein change: p.Ala198Thr; replaces alanine 198 with threonine.
Molecular consequence: missense variant. On other transcripts: non-coding transcript variant (1), intron variant (2).
Genome position (GRCh38, 1-based): chr15:25,371,582, C>T on the plus strand (G>A on the coding strand, the complement: UBE3A is on the minus strand). VCF-style: chr15-25371582-C-T. GRCh37 (hg19) VCF-style: chr15-25616729-C-T.
Other names: p.A198T:GCT>ACT; c.601G>A, p.Ala201Thr (NM_000462.5); c.592G>A, p.Ala198Thr (NM_001354505.1, NM_001354538.2, NM_001354545.2); c.532G>A, p.Ala178Thr (NM_001354506.2, NM_001354507.2, NM_001354508.2 and 17 more transcripts); c.415G>A, p.Ala139Thr (NM_001354546.2); c.301+3883G>A (NM_001354551.2); c.361+3883G>A (NM_001354550.2); short protein forms A178T, A198T, A201T, A139T.
Identifiers: ClinVar variation 96265 (VCV000096265.29), dbSNP rs147145506, ClinGen allele CA213368.

ClinVar aggregate classification (germline): Benign/Likely benign. Review status: criteria provided, multiple submitters, no conflicts (2 of 4 stars). 12 submissions from 12 submitters: Benign (6); Likely benign (1). 5 of the submissions do not count toward it. Last evaluated 2026-02-03.

Conditions:
UBE3A-related disorder. Also called: UBE3A-related condition.
Inborn genetic diseases. Identifiers: MedGen C0950123, MeSH D030342.
Angelman syndrome (AS). Also called: HAPPY PUPPET SYNDROME. Identifiers: Orphanet 72, MedGen C0162635, MONDO:0007113, OMIM 105830. Disease mechanism: loss of function. Inheritance: AS is caused by disruption of maternally imprinted UBE3A located within the 15q11.2-q13 Angelman syndrome/Prader-Willi syndrome (AS/PWS) region., imprinting disorder.

Allele frequency attached by ClinVar (database versions not stated): ExAC 0.01234; ESP Exome Variant Server 0.01338; 1000 Genomes Project 30x 0.00344; 1000 Genomes Project 0.00339; TOPMed 0.01144.
gnomAD v4.1: 26,388 of 1,614,158 alleles (1.6%); highest among the groups gnomAD compares: Non-Finnish European, 2%; 289 homozygotes.

Submissions (12):

Labcorp Genetics (formerly Invitae), Labcorp
Classification: Benign for Angelman syndrome. Last evaluated: 2026-02-03. Review status: criteria provided, single submitter. Criteria: Invitae Variant Classification Sherloc (09022015). Collection method: clinical testing. Allele origin: germline.

Mayo Clinic Laboratories, Mayo Clinic
Classification: Benign. Last evaluated: 2018-09-06. Review status: criteria provided, single submitter. Criteria: ACMG Guidelines, 2015. Collection method: clinical testing. Allele origin: germline. Observed: 11 variant alleles.

Ambry Genetics
Classification: Benign for Inborn genetic diseases. Last evaluated: 2016-04-27. Review status: criteria provided, single submitter. Criteria: Ambry Variant Classification Scheme 2023. Collection method: clinical testing. Allele origin: germline.

Genetic Services Laboratory, University of Chicago
Classification: Benign. Last evaluated: 2015-08-10. Review status: criteria provided, single submitter. Criteria: ACMG Guidelines, 2015. Collection method: clinical testing. Allele origin: germline.

Eurofins Ntd Llc (ga)
Classification: Benign. Last evaluated: 2015-02-20. Review status: criteria provided, single submitter. Criteria: EGL Classification Definitions 2015. Collection method: clinical testing. Allele origin: germline. Observed: 10 variant alleles, 10 heterozygotes.

GeneDx
Classification: Benign. Last evaluated: 2012-03-05. Review status: criteria provided, single submitter. Criteria: GeneDx Variant Classification (06012015). Collection method: clinical testing. Allele origin: germline. Affected: yes.
Comment: This variant is considered likely benign or benign based on one or more of the following criteria: it is a conservative change, it occurs at a poorly conserved position in the protein, it is predicted to be benign by multiple in silico algorithms, and/or has population frequency not consistent with disease.

Breakthrough Genomics
Classification: Likely benign. Review status: criteria provided, single submitter. Criteria: ACMG Guidelines, 2015. Collection method: not provided. Allele origin: germline. Inheritance: Autosomal dominant inheritance. Affected: yes.

PreventionGenetics, part of Exact Sciences
Classification: Benign for UBE3A-related condition. Last evaluated: 2020-01-10. Review status: no assertion criteria provided. Collection method: clinical testing. Allele origin: germline. Not counted in ClinVar's aggregate classification.
Comment: This variant is classified as benign based on ACMG/AMP sequence variant interpretation guidelines (Richards et al. 2015 PMID: 25741868, with internal and published modifications).

Genomic Diagnostic Laboratory, Division of Genomic Diagnostics, Children's Hospital of Philadelphia
Classification: Likely benign. Last evaluated: 2015-03-06. Review status: no assertion criteria provided. Collection method: clinical testing. Allele origin: germline. Not counted in ClinVar's aggregate classification.

Clinical Genetics DNA and cytogenetics Diagnostics Lab, Erasmus MC, Erasmus Medical Center
Classification: Benign. Review status: no assertion criteria provided. Collection method: clinical testing. Allele origin: germline. Affected: yes. Study: VKGL Data-share Consensus. Not counted in ClinVar's aggregate classification.

Genome Diagnostics Laboratory, University Medical Center Utrecht
Classification: Benign. Review status: no assertion criteria provided. Collection method: clinical testing. Allele origin: germline. Affected: yes. Study: VKGL Data-share Consensus. Not counted in ClinVar's aggregate classification.

Laboratory of Diagnostic Genome Analysis, Leiden University Medical Center (LUMC)
Classification: Benign. Review status: no assertion criteria provided. Collection method: clinical testing. Allele origin: germline. Affected: yes. Study: VKGL Data-share Consensus. Not counted in ClinVar's aggregate classification.